The following is an entry in ClinVar:

ClinVar aggregate classification (germline): Uncertain significance (1 of 4 stars; one submission).

Conditions:
KBG syndrome (KBGS). Also called: ANKRD11-Related KBG Syndrome. Identifiers: Orphanet 2332, MedGen C0220687, MONDO:0007846, OMIM 148050.

gnomAD v4.1: 5 of 1,569,434 alleles (0.00032%); highest among the groups gnomAD compares: Admixed American, 0.0018%; no homozygotes.

Submission:

Labcorp Genetics (formerly Invitae), Labcorp
Classification: Uncertain significance for KBG syndrome. Last evaluated: 2025-03-19. Review status: criteria provided, single submitter. Criteria: Invitae Variant Classification Sherloc (09022015). Collection method: clinical testing. Allele origin: germline.
Comment: This sequence change replaces serine, which is neutral and polar, with cysteine, which is neutral and slightly polar, at codon 2060 of the ANKRD11 protein (p.Ser2060Cys). This variant is not present in population databases (gnomAD no frequency). This variant has not been reported in the literature in individuals affected with ANKRD11-related conditions. Invitae Evidence Modeling of protein sequence and biophysical properties (such as structural, functional, and spatial information, amino acid conservation, physicochemical variation, residue mobility, and thermodynamic stability) indicates that this missense variant is not expected to disrupt ANKRD11 protein function with a negative predictive value of 95%. In summary, the available evidence is currently insufficient to determine the role of this variant in disease. Therefore, it has been classified as a Variant of Uncertain Significance.

NM_013275.6(ANKRD11):c.6179C>G (p.Ser2060Cys)

Gene: ANKRD11 (ankyrin repeat domain 11; minus strand). Cytogenetic location: 16q24.3.
Variant type: single nucleotide variant.
Coding change: c.6179C>G on transcript NM_013275.6 (MANE Select); coding-DNA position 6179, C replaced by G.
Protein change: p.Ser2060Cys; replaces serine 2060 with cysteine.
Molecular consequence: missense variant.
Genome position (GRCh38, 1-based): chr16:89,280,363, G>C on the plus strand (C>G on the coding strand, the complement: ANKRD11 is on the minus strand). VCF-style: chr16-89280363-G-C. GRCh37 (hg19) VCF-style: chr16-89346771-G-C.
Other names: c.6179C>G, p.Ser2060Cys (NM_001256182.2, NM_001256183.2); short protein forms S2060C.
Identifiers: ClinVar variation 4703306 (VCV004703306.1).